The following is an entry in ClinVar:

ClinVar aggregate classification (germline): Uncertain significance (1 of 4 stars; one submission).

Conditions:
ABL1-related disorder. Also called: ABL1-related condition.

Allele frequency attached by ClinVar (database versions not stated): ExAC 0.00001.
gnomAD v4.1: 16 of 1,613,916 alleles (0.00099%); highest among the groups gnomAD compares: East Asian, 0.0022%; no homozygotes.

Submission:

PreventionGenetics, part of Exact Sciences
Classification: Uncertain significance for ABL1-related condition. Last evaluated: 2023-04-05. Review status: criteria provided, single submitter. Criteria: ACMG Guidelines, 2015. Collection method: clinical testing. Allele origin: germline.
Comment: The ABL1 c.1607G>A variant is predicted to result in the amino acid substitution p.Gly536Glu. To our knowledge, this variant has not been reported in the literature or in a large population database, indicating this variant is rare. At this time, the clinical significance of this variant is uncertain due to the absence of conclusive functional and genetic evidence.

NM_005157.6(ABL1):c.1550G>A (p.Gly517Glu)

Gene: ABL1 (ABL proto-oncogene 1, non-receptor tyrosine kinase; plus strand). Cytogenetic location: 9q34.12.
Variant type: single nucleotide variant.
Coding change: c.1550G>A on transcript NM_005157.6 (MANE Select); coding-DNA position 1550, G replaced by A.
Protein change: p.Gly517Glu; replaces glycine 517 with glutamic acid.
Molecular consequence: missense variant.
Genome position (GRCh38, 1-based): chr9:130,880,536, G>A. VCF-style: chr9-130880536-G-A. GRCh37 (hg19) VCF-style: chr9-133755923-G-A.
Other names: c.1607G>A, p.Gly536Glu (NM_007313.3); short protein forms G517E, G536E.
Identifiers: ClinVar variation 2636569 (VCV002636569.1), dbSNP rs752870729, ClinGen allele CA5285485.